The following is an entry in ClinVar:

NM_006231.4(POLE):c.2633T>C (p.Phe878Ser)

Gene: POLE (DNA polymerase epsilon, catalytic subunit; minus strand). Cytogenetic location: 12q24.33.
Variant type: single nucleotide variant.
Coding change: c.2633T>C on transcript NM_006231.4 (MANE Select); coding-DNA position 2633, T replaced by C.
Protein change: p.Phe878Ser; replaces phenylalanine 878 with serine.
Molecular consequence: missense variant.
Genome position (GRCh38, 1-based): chr12:132,664,077, A>G on the plus strand (T>C on the coding strand, the complement: POLE is on the minus strand). VCF-style: chr12-132664077-A-G. GRCh37 (hg19) VCF-style: chr12-133240663-A-G.
Other names: short protein forms F878S.
Identifiers: ClinVar variation 3422175 (VCV003422175.1).

ClinVar aggregate classification (germline): Uncertain significance (1 of 4 stars; one submission).

Conditions:
Hereditary cancer-predisposing syndrome. Also called: Neoplastic Syndromes, Hereditary; Tumor predisposition; Hereditary Cancer Syndrome; Hereditary neoplastic syndrome. Identifiers: Orphanet 140162, MedGen C0027672, MeSH D009386, MONDO:0015356.

Submission:

Ambry Genetics
Classification: Uncertain significance for Hereditary cancer-predisposing syndrome. Last evaluated: 2024-09-18. Review status: criteria provided, single submitter. Criteria: Ambry Variant Classification Scheme 2023. Collection method: clinical testing. Allele origin: germline.
Comment: The p.F878S variant (also known as c.2633T>C), located in coding exon 23 of the POLE gene, results from a T to C substitution at nucleotide position 2633. The phenylalanine at codon 878 is replaced by serine, an amino acid with highly dissimilar properties. This amino acid position is conserved. In addition, this alteration is predicted to be tolerated by in silico analysis. Based on the available evidence, the clinical significance of this variant remains unclear.